The following is an entry in ClinVar:

ClinVar aggregate classification (germline): Uncertain significance (1 of 4 stars; one submission).

gnomAD v4.1: 17 of 1,614,244 alleles (0.0011%); highest among the groups gnomAD compares: Non-Finnish European, 0.0014%; no homozygotes.

Submission:

Ambry Genetics
Classification: Uncertain significance. Last evaluated: 2024-03-09. Review status: criteria provided, single submitter. Criteria: Ambry Variant Classification Scheme 2023. Collection method: clinical testing. Allele origin: germline.
Comment: The p.M751K variant (also known as c.2252T>A), located in coding exon 4 of the ALPK2 gene, results from a T to A substitution at nucleotide position 2252. The methionine at codon 751 is replaced by lysine, an amino acid with similar properties. This amino acid position is conserved. In addition, this alteration is predicted to be tolerated by in silico analysis. Since supporting evidence is limited at this time, the clinical significance of this alteration remains unclear.

NM_052947.4(ALPK2):c.2252T>A (p.Met751Lys)

Gene: ALPK2 (alpha kinase 2; minus strand). Cytogenetic location: 18q21.31.
Variant type: single nucleotide variant.
Coding change: c.2252T>A on transcript NM_052947.4 (MANE Select); coding-DNA position 2252, T replaced by A.
Protein change: p.Met751Lys; replaces methionine 751 with lysine.
Molecular consequence: missense variant.
Genome position (GRCh38, 1-based): chr18:58,537,935, A>T on the plus strand (T>A on the coding strand, the complement: ALPK2 is on the minus strand). VCF-style: chr18-58537935-A-T. GRCh37 (hg19) VCF-style: chr18-56205167-A-T.
Other names: short protein forms M751K.
Identifiers: ClinVar variation 1788461 (VCV001788461.2), dbSNP rs993868514, ClinGen allele CA402571160.
Genomic context (GRCh38, chr18:58,537,935, plus strand): 5'-GGCTCCCTGAAGTCAGCACGAGCATCCTTGGGGAGATGCCTTGAGAACACACCTGGGGAC[A>T]TAGTCTCATCATTGGCTTCTGAGATGCTCTGCTCATATTTTAGGTCTTCCCTGAAATTGT-3'
Protein context (NP_443179.3, residues 741-761): QSISEANDET[Met751Lys]SPGVFSRHLP